The following is an entry in ClinVar:

ClinVar aggregate classification (germline): Uncertain significance. Review status: criteria provided, multiple submitters, no conflicts (2 of 4 stars). 9 submissions from 9 submitters: Uncertain significance (7). 2 of the submissions do not count toward it. Last evaluated 2026-04-07.

Conditions:
Inborn genetic diseases. Identifiers: MedGen C0950123, MeSH D030342.
Mitochondrial complex I deficiency, nuclear type 4. Also called: Mitochondrial complex 1 deficiency, nuclear type 4. Identifiers: MedGen C4748753, MONDO:0032609, OMIM 618225.

Allele frequency attached by ClinVar (database versions not stated): TOPMed 0.00006; gnomAD 0.00008 and 0.00009; gnomAD exomes 0.00018; ExAC 0.00019.
gnomAD v4.1: 322 of 1,613,388 alleles (0.02%); highest among the groups gnomAD compares: Middle Eastern, 0.089%; 1 homozygote.

Submissions (9):

Women's Health and Genetics/Laboratory Corporation of America, LabCorp
Classification: Uncertain significance. Last evaluated: 2026-04-07. Review status: criteria provided, single submitter. Criteria: LabCorp Variant Classification Summary - May 2015. Collection method: clinical testing. Allele origin: germline.
Comment: Variant summary: NDUFV1 c.1312C>A (p.Leu438Met) results in a conservative amino acid change in the encoded protein sequence. Algorithms developed to predict the effect of missense changes on protein structure and function are either unavailable or do not agree on the potential impact of this missense change. The variant allele was found at a frequency of 0.00018 in 250518 control chromosomes. This frequency is not significantly higher than estimated for disease-causing variants in NDUFV1, allowing no conclusion about variant significance. c.1312C>A has been observed in the homozygous state in an individual affected with mitochondrial complex I deficiency (Alfares_2017). These data indicate that the variant may be associated with disease. To our knowledge, no experimental evidence demonstrating an impact on protein function has been reported. The following publications have been ascertained in the context of this evaluation (PMID: 28454995, 34906502). ClinVar contains an entry for this variant (Variation ID: 800963). Based on the evidence outlined above, the variant was classified as VUS-possibly pathogenic.

Blueprint Genetics
Classification: Uncertain significance. Last evaluated: 2024-09-18. Review status: criteria provided, single submitter. Criteria: ACMG Guidelines, 2015. Collection method: clinical testing. Allele origin: germline.

Labcorp Genetics (formerly Invitae), Labcorp
Classification: Uncertain significance. Last evaluated: 2022-08-09. Review status: criteria provided, single submitter. Criteria: Invitae Variant Classification Sherloc (09022015). Collection method: clinical testing. Allele origin: germline.
Comment: This sequence change replaces leucine, which is neutral and non-polar, with methionine, which is neutral and non-polar, at codon 438 of the NDUFV1 protein (p.Leu438Met). This variant is present in population databases (rs1127511, gnomAD 0.08%). This missense change has been observed in individual(s) with mitochondrial complex I deficiency (PMID: 28454995). ClinVar contains an entry for this variant (Variation ID: 800963). Advanced modeling of protein sequence and biophysical properties (such as structural, functional, and spatial information, amino acid conservation, physicochemical variation, residue mobility, and thermodynamic stability) performed at Invitae indicates that this missense variant is expected to disrupt NDUFV1 protein function. In summary, the available evidence is currently insufficient to determine the role of this variant in disease. Therefore, it has been classified as a Variant of Uncertain Significance.

Fulgent Genetics
Classification: Uncertain significance for Mitochondrial complex I deficiency, nuclear type 4. Last evaluated: 2022-03-16. Review status: criteria provided, single submitter. Criteria: ACMG Guidelines, 2015. Collection method: clinical testing. Allele origin: unknown.

Ambry Genetics
Classification: Uncertain significance for Inborn genetic diseases. Last evaluated: 2021-10-15. Review status: criteria provided, single submitter. Criteria: Ambry Variant Classification Scheme 2023. Collection method: clinical testing. Allele origin: germline.
Comment: (Alfares, 2017) Based on insufficient or conflicting evidence, the clinical significance of this alteration remains unclear.

Revvity Omics, Revvity
Classification: Uncertain significance for Mitochondrial complex I deficiency, nuclear type 4. Last evaluated: 2021-09-08. Review status: criteria provided, single submitter. Criteria: ACMG Guidelines, 2015. Collection method: clinical testing. Allele origin: germline.

Kids Neuroscience Centre, Sydney Children's Hospitals Network
Classification: Uncertain significance for Mitochondrial complex I deficiency, nuclear type 4. Review status: criteria provided, single submitter. Criteria: Bournazos AM et al. (Genet Med 2021). Collection method: clinical testing. Allele origin: unknown. Inheritance: Autosomal recessive inheritance. Affected: no. Observed: 2 heterozygotes.
Comment: Previously reported in ClinVar (VCV000800963). No evidence for splicing abnormalities induced by the c.1312C>A variant.

Molecular Genetics Laboratory, BC Children's and BC Women's Hospitals
Classification: Uncertain significance for Mitochondrial complex I deficiency, nuclear type 4. Last evaluated: 2026-05-06. Review status: no assertion criteria provided. Criteria: ACMG Guidelines, 2015. Collection method: clinical testing. Allele origin: paternal. Affected: yes. Not counted in ClinVar's aggregate classification.

Biochemical Molecular Genetic Laboratory, King Abdulaziz Medical City
Classification: Likely pathogenic for Mitochondrial complex I deficiency, nuclear type 4. Last evaluated: 2019-09-26. Review status: no assertion criteria provided. Collection method: clinical testing. Allele origin: germline. Affected: yes. Not counted in ClinVar's aggregate classification.

Literature cited by the submitters: PubMed 28454995 (cited by 3 submitters); PubMed 34906502 (cited by Women's Health and Genetics/Laboratory Corporation of America, LabCorp).

NM_007103.4(NDUFV1):c.1312C>A (p.Leu438Met)

Genes: NDUFV1 (NADH:ubiquinone oxidoreductase core subunit V1; plus strand), LOC126861242 (CDK7 strongly-dependent group 2 enhancer GRCh37_chr11:67379204-67380403; plus strand). Cytogenetic location: 11q13.2.
Variant type: single nucleotide variant.
Coding change: c.1312C>A on transcript NM_007103.4 (MANE Select); coding-DNA position 1312, C replaced by A.
Protein change: p.Leu438Met; replaces leucine 438 with methionine.
Molecular consequence: missense variant.
Genome position (GRCh38, 1-based): chr11:67,612,375, C>A. VCF-style: chr11-67612375-C-A. GRCh37 (hg19) VCF-style: chr11-67379846-C-A.
Other names: c.1285C>A, p.Leu429Met (NM_001166102.2); short protein forms L438M, L429M.
Identifiers: ClinVar variation 800963 (VCV000800963.17), dbSNP rs1127511, ClinGen allele CA6143501.